The following is an entry in ClinVar:

ClinVar aggregate classification (germline): Uncertain significance (1 of 4 stars; one submission).

Submission:

GeneDx
Classification: Uncertain significance. Last evaluated: 2024-01-02. Review status: criteria provided, single submitter. Criteria: GeneDx Variant Classification Process June 2021. Collection method: clinical testing. Allele origin: germline. Affected: yes.
Comment: Not observed at significant frequency in large population cohorts (gnomAD); In silico analysis supports that this missense variant does not alter protein structure/function; Has not been previously published as pathogenic or benign to our knowledge

NM_001170629.2(CHD8):c.192T>G (p.Ser64Arg)

Gene: CHD8 (chromodomain helicase DNA binding protein 8; minus strand). Cytogenetic location: 14q11.2.
Variant type: single nucleotide variant.
Coding change: c.192T>G on transcript NM_001170629.2 (MANE Select); coding-DNA position 192, T replaced by G.
Protein change: p.Ser64Arg; replaces serine 64 with arginine.
Molecular consequence: missense variant. On other transcripts: intron variant (1).
Genome position (GRCh38, 1-based): chr14:21,431,452, A>C on the plus strand (T>G on the coding strand, the complement: CHD8 is on the minus strand). VCF-style: chr14-21431452-A-C. GRCh37 (hg19) VCF-style: chr14-21899611-A-C.
Other names: c.6+359T>G (NM_020920.4); short protein forms S64R.
Identifiers: ClinVar variation 3367460 (VCV003367460.1).
Genomic context (GRCh38, chr14:21,431,452, plus strand): 5'-AGCTGTGGATTCTTTGGAAAGTTCTGTGGGAGCTGTTTCCTCTGGTGGAGGGACCAGTTC[A>C]CTTGCTGATGAATTCCCCACATCACCACCTCCACCATCCTGGTTCATCTGATCCAAGGAG-3'
Protein context (NP_001164100.1, residues 54-74): GGGDVGNSSA[Ser64Arg]ELVPPPEETA